The following is an entry in ClinVar:

NM_000217.3(KCNA1):c.30C>G (p.Asp10Glu)

Genes: KCNA1 (potassium voltage-gated channel subfamily A member 1; plus strand), LOC130007218 (ATAC-STARR-seq lymphoblastoid silent region 4155; plus strand). Cytogenetic location: 12p13.32.
Variant type: single nucleotide variant.
Coding change: c.30C>G on transcript NM_000217.3 (MANE Select); coding-DNA position 30, C replaced by G.
Protein change: p.Asp10Glu; replaces aspartic acid 10 with glutamic acid.
Molecular consequence: missense variant.
Genome position (GRCh38, 1-based): chr12:4,911,408, C>G. VCF-style: chr12-4911408-C-G. GRCh37 (hg19) VCF-style: chr12-5020574-C-G.
Other names: short protein forms D10E.
Identifiers: ClinVar variation 642028 (VCV000642028.7), dbSNP rs1471834737, ClinGen allele CA383453646.
Genomic context (GRCh38, chr12:4,911,408, plus strand): 5'-TGGCCTCCCACCCCCGCGCCCGGCTTCCACCATGACGGTGATGTCTGGGGAGAACGTGGA[C>G]GAGGCTTCGGCCGCCCCGGGCCACCCCCAGGATGGCAGCTACCCCCGGCAGGCCGACCAC-3'
Protein context (NP_000208.2, residues 1-20): MTVMSGENV[Asp10Glu]EASAAPGHPQ

ClinVar aggregate classification (germline): Uncertain significance (1 of 4 stars; one submission).

Conditions:
Episodic ataxia type 1 (EA1). Also called: MYOKYMIA WITH PERIODIC ATAXIA; PAROXYSMAL ATAXIA WITH NEUROMYOTONIA, HEREDITARY; ATAXIA, EPISODIC, WITH MYOKYMIA; Episodic ataxia/myokymia syndrome. Identifiers: Orphanet 37612, Orphanet 972, MedGen C1719788, MONDO:0008047, OMIM 160120.

Allele frequency attached by ClinVar (database versions not stated): gnomAD exomes below 0.00001.
gnomAD v4.1: 2 of 1,613,002 alleles (0.00012%); highest among the groups gnomAD compares: South Asian, 0.0011%; no homozygotes.

Submission:

Labcorp Genetics (formerly Invitae), Labcorp
Classification: Uncertain significance for Episodic ataxia type 1. Last evaluated: 2023-05-15. Review status: criteria provided, single submitter. Criteria: Invitae Variant Classification Sherloc (09022015). Collection method: clinical testing. Allele origin: germline.
Comment: ClinVar contains an entry for this variant (Variation ID: 642028). Advanced modeling of protein sequence and biophysical properties (such as structural, functional, and spatial information, amino acid conservation, physicochemical variation, residue mobility, and thermodynamic stability) performed at Invitae indicates that this missense variant is not expected to disrupt KCNA1 protein function. In summary, the available evidence is currently insufficient to determine the role of this variant in disease. Therefore, it has been classified as a Variant of Uncertain Significance. This variant has not been reported in the literature in individuals affected with KCNA1-related conditions. This sequence change replaces aspartic acid, which is acidic and polar, with glutamic acid, which is acidic and polar, at codon 10 of the KCNA1 protein (p.Asp10Glu). This variant is present in population databases (no rsID available, gnomAD 0.003%).